The following is an entry in ClinVar:

NM_017637.6(BNC2):c.916C>G (p.Pro306Ala)

Gene: BNC2 (basonuclin zinc finger protein 2; minus strand). Cytogenetic location: 9p22.3.
Variant type: single nucleotide variant.
Coding change: c.916C>G on transcript NM_017637.6 (MANE Select); coding-DNA position 916, C replaced by G.
Protein change: p.Pro306Ala; replaces proline 306 with alanine.
Molecular consequence: missense variant.
Genome position (GRCh38, 1-based): chr9:16,437,278, G>C on the plus strand (C>G on the coding strand, the complement: BNC2 is on the minus strand). VCF-style: chr9-16437278-G-C. GRCh37 (hg19) VCF-style: chr9-16437276-G-C.
Other names: c.790C>G, p.Pro264Ala (NM_001317939.2); c.631C>G, p.Pro211Ala (NM_001317940.2); short protein forms P306A, P211A, P264A.
Identifiers: ClinVar variation 120244 (VCV000120244.9), dbSNP rs114964332, ClinGen allele CA204346.
Genomic context (GRCh38, chr9:16,437,278, plus strand): 5'-GGAATGGAAGCAGAAATGCAAGGCTGTTTGGGATGTTTTCGAAGTGATGAATGCTGGAAG[G>C]ATTGCTGTTCTCTAAGTGAGCAAGGAGGCTGGGACTCCTGGTGCGATTATTGCTCTCAAT-3'
Protein context (NP_060107.3, residues 296-316): SLLAHLENSN[Pro306Ala]SSIHHFENIP

ClinVar aggregate classification (germline): Benign. Review status: criteria provided, single submitter (1 of 4 stars). 2 submissions from 2 submitters: Benign (1). 1 of the submissions does not count toward it. Last evaluated 2026-01-15.

Conditions:
Hypotension. Also called: Hypotensive disorder; low blood pressure. Identifiers: MedGen C0020649, MONDO:0005468, HP:0002615, MeSH D007022.

Allele frequency attached by ClinVar (database versions not stated): 1000 Genomes Project 0.00220; ESP Exome Variant Server 0.00292; ExAC 0.00082; TOPMed 0.00271; 1000 Genomes Project 30x 0.00250.
gnomAD v4.1: 659 of 1,614,150 alleles (0.041%); highest among the groups gnomAD compares: African/African-American, 0.75%; 2 homozygotes.

Submissions (2):

Labcorp Genetics (formerly Invitae), Labcorp
Classification: Benign. Last evaluated: 2026-01-15. Review status: criteria provided, single submitter. Criteria: Invitae Variant Classification Sherloc (09022015). Collection method: clinical testing. Allele origin: germline.

Centre for molecular medicine, Karolinska Institutet
No classification provided. Condition: Hypotension. Review status: no classification provided. Collection method: not provided. Allele origin: not provided. Not counted in ClinVar's aggregate classification.
Comment: hold until published